The following is an entry in ClinVar:

NC_000010.10:g.(?_69961566)_(69961771_?)del

Gene: MYPN (myopalladin; plus strand). Cytogenetic location: 10q21.3.
Variant type: Deletion.
Identifiers: ClinVar variation 2427044 (VCV002427044.4).

ClinVar aggregate classification (germline): Pathogenic (1 of 4 stars; one submission).

Conditions:
Dilated cardiomyopathy 1KK (CMD1KK). Identifiers: Orphanet 154, Orphanet 75249, MedGen C3714995, MONDO:0014100, OMIM 615248.

Submission:

Labcorp Genetics (formerly Invitae), Labcorp
Classification: Pathogenic for Dilated cardiomyopathy 1KK. Last evaluated: 2023-08-04. Review status: criteria provided, single submitter. Criteria: Invitae Variant Classification Sherloc (09022015). Collection method: clinical testing. Allele origin: germline.
Comment: For these reasons, this variant has been classified as Pathogenic. This variant has not been reported in the literature in individuals affected with MYPN-related conditions. This variant is a gross deletion of the genomic region encompassing exon(s) 18 of the MYPN gene. This deletion is out-of-frame, and is expected to create a premature termination codon and result in an absent or disrupted protein product. Loss-of-function variants in MYPN are known to be pathogenic (PMID: 28017374).

Literature cited by the submitters: PubMed 28017374.